The following is an entry in ClinVar:

NM_006384.4(CIB1):c.119A>G (p.Gln40Arg)

Gene: CIB1 (calcium and integrin binding 1; minus strand). Cytogenetic location: 15q26.1.
Variant type: single nucleotide variant.
Coding change: c.119A>G on transcript NM_006384.4 (MANE Select); coding-DNA position 119, A replaced by G.
Protein change: p.Gln40Arg; replaces glutamine 40 with arginine.
Molecular consequence: missense variant. On other transcripts: non-coding transcript variant (2).
Genome position (GRCh38, 1-based): chr15:90,232,295, T>C on the plus strand (A>G on the coding strand, the complement: CIB1 is on the minus strand). VCF-style: chr15-90232295-T-C. GRCh37 (hg19) VCF-style: chr15-90775527-T-C.
Other names: c.239A>G, p.Gln80Arg (NM_001277764.2); short protein forms Q40R, Q80R.
Identifiers: ClinVar variation 1966187 (VCV001966187.2), dbSNP rs144124621, ClinGen allele CA393815670.

ClinVar aggregate classification (germline): Uncertain significance (1 of 4 stars; one submission).

Submission:

Labcorp Genetics (formerly Invitae), Labcorp
Classification: Uncertain significance. Last evaluated: 2022-04-20. Review status: criteria provided, single submitter. Criteria: Invitae Variant Classification Sherloc (09022015). Collection method: clinical testing. Allele origin: germline.
Comment: This sequence change replaces glutamine, which is neutral and polar, with arginine, which is basic and polar, at codon 80 of the CIB1 protein (p.Gln80Arg). This variant is not present in population databases (gnomAD no frequency). This variant has not been reported in the literature in individuals affected with CIB1-related conditions. Algorithms developed to predict the effect of missense changes on protein structure and function output the following: SIFT: "Tolerated"; PolyPhen-2: "Not Available"; Align-GVGD: "Class C0". The arginine amino acid residue is found in multiple mammalian species, which suggests that this missense change does not adversely affect protein function. In summary, the available evidence is currently insufficient to determine the role of this variant in disease. Therefore, it has been classified as a Variant of Uncertain Significance.